The following is an entry in ClinVar:

ClinVar aggregate classification (germline): Uncertain significance (1 of 4 stars; one submission).

Submission:

GeneDx
Classification: Uncertain significance. Last evaluated: 2024-04-02. Review status: criteria provided, single submitter. Criteria: GeneDx Variant Classification Process June 2021. Collection method: clinical testing. Allele origin: germline. Affected: yes.
Comment: Identified in an individual with a mood disorder, but detailed clinical information was not provided and it is unknown if this individual was screened for variants in other genes associated with mood disorders (PMID: 21145924); Not observed at significant frequency in large population cohorts (gnomAD); In silico analysis supports that this missense variant has a deleterious effect on protein structure/function; This variant is associated with the following publications: (PMID: 21145924)

NM_021083.4(XK):c.962A>G (p.Tyr321Cys)

Gene: XK (X-linked Kx blood group antigen, Kell and VPS13A binding protein; plus strand). Cytogenetic location: Xp21.1.
Variant type: single nucleotide variant.
Coding change: c.962A>G on transcript NM_021083.4 (MANE Select); coding-DNA position 962, A replaced by G.
Protein change: p.Tyr321Cys; replaces tyrosine 321 with cysteine.
Molecular consequence: missense variant.
Genome position (GRCh38, 1-based): chrX:37,728,089, A>G. VCF-style: chrX-37728089-A-G. GRCh37 (hg19) VCF-style: chrX-37587342-A-G.
Other names: short protein forms Y321C.
Identifiers: ClinVar variation 3371913 (VCV003371913.1).